The following is an entry in ClinVar:

NM_004656.4(BAP1):c.588G>C (p.Trp196Cys)

Gene: BAP1 (BRCA1 associated deubiquitinase 1; minus strand). Cytogenetic location: 3p21.1.
Variant type: single nucleotide variant.
Coding change: c.588G>C on transcript NM_004656.4 (MANE Select); coding-DNA position 588, G replaced by C.
Protein change: p.Trp196Cys; replaces tryptophan 196 with cysteine.
Molecular consequence: missense variant.
Genome position (GRCh38, 1-based): chr3:52,406,900, C>G on the plus strand (G>C on the coding strand, the complement: BAP1 is on the minus strand). VCF-style: chr3-52406900-C-G. GRCh37 (hg19) VCF-style: chr3-52440916-C-G.
Other names: short protein forms W196C.
Identifiers: ClinVar variation 472708 (VCV000472708.15), dbSNP rs1193212091, ClinGen allele CA353109200.

ClinVar aggregate classification (germline): Conflicting classifications of pathogenicity. Review status: criteria provided, conflicting classifications (1 of 4 stars). 3 submissions from 3 submitters: Uncertain significance (2); Likely benign (1). Last evaluated 2025-11-04.

Conditions:
BAP1-related tumor predisposition syndrome (TPDS1). Also called: BAP1 tumor predisposition syndrome; COMMON Syndrome; TUMOR PREDISPOSITION SYNDROME 1; Tumor susceptibility linked to germline BAP1 mutations. Identifiers: Orphanet 289539, MedGen C3280492, MONDO:0013692, OMIM 614327.
Hereditary cancer-predisposing syndrome. Also called: Neoplastic Syndromes, Hereditary; Tumor predisposition; Hereditary Cancer Syndrome; Hereditary neoplastic syndrome. Identifiers: Orphanet 140162, MedGen C0027672, MeSH D009386, MONDO:0015356.

Allele frequency attached by ClinVar (database versions not stated): gnomAD exomes 0.00001.
gnomAD v4.1: 4 of 1,571,620 alleles (0.00025%); highest among the groups gnomAD compares: Non-Finnish European, 0.00035%; no homozygotes.

Submissions (3):

Labcorp Genetics (formerly Invitae), Labcorp
Classification: Uncertain significance for BAP1-related tumor predisposition syndrome. Last evaluated: 2025-11-04. Review status: criteria provided, single submitter. Criteria: Invitae Variant Classification Sherloc (09022015). Collection method: clinical testing. Allele origin: germline.
Comment: This sequence change replaces tryptophan, which is neutral and slightly polar, with cysteine, which is neutral and slightly polar, at codon 196 of the BAP1 protein (p.Trp196Cys). The frequency data for this variant in the population databases is considered unreliable, as metrics indicate poor data quality at this position in the gnomAD database. This variant has not been reported in the literature in individuals affected with BAP1-related conditions. ClinVar contains an entry for this variant (Variation ID: 472708). Invitae Evidence Modeling of protein sequence and biophysical properties (such as structural, functional, and spatial information, amino acid conservation, physicochemical variation, residue mobility, and thermodynamic stability) has been performed for this missense variant. However, the output from this modeling did not meet the statistical confidence thresholds required to predict the impact of this variant on BAP1 protein function. In summary, the available evidence is currently insufficient to determine the role of this variant in disease. Therefore, it has been classified as a Variant of Uncertain Significance.

Ambry Genetics
Classification: Likely benign for Hereditary cancer-predisposing syndrome. Last evaluated: 2025-08-05. Review status: criteria provided, single submitter. Criteria: Ambry Variant Classification Scheme 2023. Collection method: clinical testing. Allele origin: germline.

Center for Genomic Medicine, Rigshospitalet, Copenhagen University Hospital
Classification: Uncertain significance. Last evaluated: 2025-03-04. Review status: criteria provided, single submitter. Criteria: ACMG Guidelines, 2015. Collection method: clinical testing. Allele origin: germline.

Literature cited by the submitters: PubMed 38969833 (cited by Ambry Genetics).